The following is an entry in ClinVar:

NM_001330691.3(CEP78):c.392T>C (p.Ile131Thr)

Gene: CEP78 (centrosomal protein 78; plus strand). Cytogenetic location: 9q21.2.
Variant type: single nucleotide variant.
Coding change: c.392T>C on transcript NM_001330691.3 (MANE Select); coding-DNA position 392, T replaced by C.
Protein change: p.Ile131Thr; replaces isoleucine 131 with threonine.
Molecular consequence: missense variant.
Genome position (GRCh38, 1-based): chr9:78,240,161, T>C. VCF-style: chr9-78240161-T-C. GRCh37 (hg19) VCF-style: chr9-80855077-T-C.
Other names: c.392T>C, p.Ile131Thr (NM_001098802.3, NM_001330693.3, NM_001330694.2 and 4 more transcripts); short protein forms I131T.
Identifiers: ClinVar variation 1355940 (VCV001355940.8), dbSNP rs760356786, ClinGen allele CA5094895.

ClinVar aggregate classification (germline): Uncertain significance (1 of 4 stars; one submission).

Allele frequency attached by ClinVar (database versions not stated): gnomAD exomes 0.00001; ExAC 0.00002; gnomAD 0.00002; TOPMed 0.00002.
gnomAD v4.1: 6 of 1,600,028 alleles (0.00037%); highest among the groups gnomAD compares: African/African-American, 0.0081%; no homozygotes.

Submission:

Labcorp Genetics (formerly Invitae), Labcorp
Classification: Uncertain significance. Last evaluated: 2023-06-13. Review status: criteria provided, single submitter. Criteria: Invitae Variant Classification Sherloc (09022015). Collection method: clinical testing. Allele origin: germline.
Comment: In summary, the available evidence is currently insufficient to determine the role of this variant in disease. Therefore, it has been classified as a Variant of Uncertain Significance. Advanced modeling of protein sequence and biophysical properties (such as structural, functional, and spatial information, amino acid conservation, physicochemical variation, residue mobility, and thermodynamic stability) performed at Invitae indicates that this missense variant is not expected to disrupt CEP78 protein function. ClinVar contains an entry for this variant (Variation ID: 1355940). This variant has not been reported in the literature in individuals affected with CEP78-related conditions. This variant is present in population databases (rs760356786, gnomAD 0.02%). This sequence change replaces isoleucine, which is neutral and non-polar, with threonine, which is neutral and polar, at codon 131 of the CEP78 protein (p.Ile131Thr).